The following is an entry in ClinVar:

NM_006393.3(NEBL):c.1311A>G (p.Ala437=)

Gene: NEBL (nebulette; minus strand). Cytogenetic location: 10p12.31.
Variant type: single nucleotide variant.
Coding change: c.1311A>G on transcript NM_006393.3 (MANE Select); coding-DNA position 1311, A replaced by G.
Protein change: p.Ala437=; no amino-acid change (alanine 437 retained).
Molecular consequence: synonymous variant. On other transcripts: intron variant (9).
Genome position (GRCh38, 1-based): chr10:20,840,766, T>C on the plus strand (A>G on the coding strand, the complement: NEBL is on the minus strand). VCF-style: chr10-20840766-T-C. GRCh37 (hg19) VCF-style: chr10-21129695-T-C.
Other names: c.250-27826A>G (NM_001377326.1, NM_001377327.1, NM_001377328.1); c.358-27826A>G (NM_213569.2, NM_001173484.2, NM_001377322.1); c.301-27826A>G (NM_001377324.1); c.292-27826A>G (NM_001377325.1); c.310-27826A>G (NM_001377323.1).
Identifiers: ClinVar variation 388804 (VCV000388804.1), dbSNP rs901799820, ClinGen allele CA16605860.

ClinVar aggregate classification (germline): Likely benign (1 of 4 stars; one submission).

Submission:

GeneDx
Classification: Likely benign. Last evaluated: 2016-08-22. Review status: criteria provided, single submitter. Criteria: GeneDx Variant Classification (06012015). Collection method: clinical testing. Allele origin: germline. Affected: yes.
Comment: This variant is considered likely benign or benign based on one or more of the following criteria: it is a conservative change, it occurs at a poorly conserved position in the protein, it is predicted to be benign by multiple in silico algorithms, and/or has population frequency not consistent with disease.